The following is an entry in ClinVar:

ClinVar aggregate classification (germline): Uncertain significance (1 of 4 stars; one submission).

Submission:

GeneDx
Classification: Uncertain significance. Last evaluated: 2023-05-21. Review status: criteria provided, single submitter. Criteria: GeneDx Variant Classification Process June 2021. Collection method: clinical testing. Allele origin: germline. Affected: yes.
Comment: Has not been previously published as pathogenic or benign to our knowledge; Not observed at significant frequency in large population cohorts (gnomAD); In silico analysis supports that this missense variant has a deleterious effect on protein structure/function

NM_006160.4(NEUROD2):c.10C>G (p.Arg4Gly)

Gene: NEUROD2 (neuronal differentiation 2; minus strand). Cytogenetic location: 17q12.
Variant type: single nucleotide variant.
Coding change: c.10C>G on transcript NM_006160.4 (MANE Select); coding-DNA position 10, C replaced by G.
Protein change: p.Arg4Gly; replaces arginine 4 with glycine.
Molecular consequence: missense variant.
Genome position (GRCh38, 1-based): chr17:39,606,590, G>C on the plus strand (C>G on the coding strand, the complement: NEUROD2 is on the minus strand). VCF-style: chr17-39606590-G-C. GRCh37 (hg19) VCF-style: chr17-37762843-G-C.
Other names: short protein forms R4G.
Identifiers: ClinVar variation 3343826 (VCV003343826.1).